The following is an entry in ClinVar:

NM_000059.4(BRCA2):c.5898del (p.His1966fs)

Gene: BRCA2 (BRCA2 DNA repair associated; plus strand). Cytogenetic location: 13q13.1.
Variant type: Deletion.
Coding change: c.5898del on transcript NM_000059.4 (MANE Select); coding-DNA position 5898, one base deleted (T; older notation c.5898delT).
Protein change: p.His1966fs; shifts the reading frame from histidine 1966.
Molecular consequence: frameshift variant.
Genome position (GRCh38, 1-based): chr13:32,340,253, T deleted. VCF-style (leftmost placement, unchanged base first): chr13-32340252-AT-A. GRCh37 (hg19) VCF-style: chr13-32914389-AT-A.
Other names: 6126delT; c.5898delT (NM_000059.3).
Identifiers: ClinVar variation 51962 (VCV000051962.7), dbSNP rs397507811, ClinGen allele CA023351.

ClinVar aggregate classification (germline): Pathogenic. Review status: reviewed by expert panel (3 of 4 stars). 2 submissions from 2 submitters: Pathogenic (1). 1 of the submissions does not count toward it. Last evaluated 2016-10-18.

Conditions:
Breast-ovarian cancer, familial, susceptibility to, 2 (BROVCA2). Also called: BRCA2 Hereditary Breast and Ovarian Cancer. Identifiers: Orphanet 145, MedGen C2675520, MONDO:0012933, OMIM 612555. Disease mechanism: loss of function.

Submissions (2):

Evidence-based Network for the Interpretation of Germline Mutant Alleles (ENIGMA)
Classification: Pathogenic for Breast-ovarian cancer, familial, susceptibility to, 2. Last evaluated: 2016-10-18. Review status: reviewed by expert panel. Criteria: ENIGMA BRCA1/2 Classification Criteria (2015). Collection method: curation. Allele origin: germline.
Comment: Variant allele predicted to encode a truncated non-functional protein.

Consortium of Investigators of Modifiers of BRCA1/2 (CIMBA), c/o University of Cambridge
Classification: Pathogenic for Breast-ovarian cancer, familial, susceptibility to, 2. Last evaluated: 2015-10-02. Review status: criteria provided, single submitter. Criteria: CIMBA Mutation Classification guidelines May 2016. Collection method: clinical testing. Allele origin: germline. Not counted in ClinVar's aggregate classification.